The following is an entry in ClinVar:

ClinVar aggregate classification (germline): Uncertain significance. Review status: criteria provided, multiple submitters, no conflicts (2 of 4 stars). 2 submissions from 2 submitters: Uncertain significance (2). Last evaluated 2025-10-29.

Conditions:
Deficiency of hyaluronoglucosaminidase (MPS9). Also called: Mucopolysaccharidosis type 9; HYALURONIDASE DEFICIENCY; MPS IX. Identifiers: Orphanet 67041, MedGen C1291490, MONDO:0011093, OMIM 601492.

Allele frequency attached by ClinVar (database versions not stated): gnomAD exomes below 0.00001 and 0.00001; TOPMed 0.00001.
gnomAD v4.1: 2 of 1,614,162 alleles (0.00012%); highest among the groups gnomAD compares: Admixed American, 0.0033%; no homozygotes.

Submissions (2):

Ambry Genetics
Classification: Uncertain significance. Last evaluated: 2025-10-29. Review status: criteria provided, single submitter. Criteria: Ambry Variant Classification Scheme 2023. Collection method: clinical testing. Allele origin: germline.

Labcorp Genetics (formerly Invitae), Labcorp
Classification: Uncertain significance for Deficiency of hyaluronoglucosaminidase. Last evaluated: 2021-10-07. Review status: criteria provided, single submitter. Criteria: Invitae Variant Classification Sherloc (09022015). Collection method: clinical testing. Allele origin: germline.
Comment: This sequence change replaces valine with leucine at codon 155 of the HYAL1 protein (p.Val155Leu). The valine residue is highly conserved and there is a small physicochemical difference between valine and leucine. This variant is not present in population databases (ExAC no frequency). This variant has not been reported in the literature in individuals affected with HYAL1-related conditions. Algorithms developed to predict the effect of missense changes on protein structure and function are either unavailable or do not agree on the potential impact of this missense change (SIFT: "Deleterious"; PolyPhen-2: "Benign"; Align-GVGD: "Class C0"). In summary, the available evidence is currently insufficient to determine the role of this variant in disease. Therefore, it has been classified as a Variant of Uncertain Significance.

NM_033159.4(HYAL1):c.463G>T (p.Val155Leu)

Gene: HYAL1 (hyaluronidase 1; minus strand). Cytogenetic location: 3p21.31.
Variant type: single nucleotide variant.
Coding change: c.463G>T on transcript NM_033159.4 (MANE Select); coding-DNA position 463, G replaced by T.
Protein change: p.Val155Leu; replaces valine 155 with leucine.
Molecular consequence: missense variant. On other transcripts: 5 prime UTR variant (1), non-coding transcript variant (1), intron variant (1).
Genome position (GRCh38, 1-based): chr3:50,302,494, C>A on the plus strand (G>T on the coding strand, the complement: HYAL1 is on the minus strand). VCF-style: chr3-50302494-C-A. GRCh37 (hg19) VCF-style: chr3-50339925-C-A.
Other names: c.463G>T (NM_153281.1); c.463G>T, p.Val155Leu (NM_153282.3, NM_153281.2); c.-84G>T (NM_153283.3); c.-26-289G>T (NM_153285.3); short protein forms V155L.
Identifiers: ClinVar variation 1375275 (VCV001375275.4), dbSNP rs1473371417, ClinGen allele CA352894150.